The following is an entry in ClinVar:

ClinVar aggregate classification (germline): Uncertain significance (1 of 4 stars; one submission).

Submission:

Labcorp Genetics (formerly Invitae), Labcorp
Classification: Uncertain significance. Last evaluated: 2021-07-22. Review status: criteria provided, single submitter. Criteria: Invitae Variant Classification Sherloc (09022015). Collection method: clinical testing. Allele origin: germline.
Comment: In summary, the available evidence is currently insufficient to determine the role of this variant in disease. Therefore, it has been classified as a Variant of Uncertain Significance. Algorithms developed to predict the effect of missense changes on protein structure and function (SIFT, PolyPhen-2, Align-GVGD) all suggest that this variant is likely to be tolerated, but these predictions have not been confirmed by published functional studies and their clinical significance is uncertain. This variant has not been reported in the literature in individuals with POLE-related disease. This variant is not present in population databases (ExAC no frequency). This sequence change replaces threonine with asparagine at codon 2049 of the POLE protein (p.Thr2049Asn). The threonine residue is moderately conserved and there is a small physicochemical difference between threonine and asparagine.

NM_006231.4(POLE):c.6146C>A (p.Thr2049Asn)

Gene: POLE (DNA polymerase epsilon, catalytic subunit; minus strand). Cytogenetic location: 12q24.33.
Variant type: single nucleotide variant.
Coding change: c.6146C>A on transcript NM_006231.4 (MANE Select); coding-DNA position 6146, C replaced by A.
Protein change: p.Thr2049Asn; replaces threonine 2049 with asparagine.
Molecular consequence: missense variant.
Genome position (GRCh38, 1-based): chr12:132,632,499, G>T on the plus strand (C>A on the coding strand, the complement: POLE is on the minus strand). VCF-style: chr12-132632499-G-T. GRCh37 (hg19) VCF-style: chr12-133209085-G-T.
Other names: short protein forms T2049N.
Identifiers: ClinVar variation 576259 (VCV000576259.8), dbSNP rs1315503524, ClinGen allele CA387370057.